The following is an entry in ClinVar:

NM_173689.7(CRB2):c.2680G>A (p.Gly894Ser)

Gene: CRB2 (crumbs cell polarity complex component 2; plus strand). Cytogenetic location: 9q33.3.
Variant type: single nucleotide variant.
Coding change: c.2680G>A on transcript NM_173689.7 (MANE Select); coding-DNA position 2680, G replaced by A.
Protein change: p.Gly894Ser; replaces glycine 894 with serine.
Molecular consequence: missense variant. On other transcripts: non-coding transcript variant (1).
Genome position (GRCh38, 1-based): chr9:123,373,211, G>A. VCF-style: chr9-123373211-G-A. GRCh37 (hg19) VCF-style: chr9-126135490-G-A.
Other names: short protein forms G894S.
Identifiers: ClinVar variation 1164443 (VCV001164443.38), dbSNP rs144714250, ClinGen allele CA5232286.

ClinVar aggregate classification (germline): Benign/Likely benign. Review status: criteria provided, multiple submitters, no conflicts (2 of 4 stars). 8 submissions from 8 submitters: Benign (4); Likely benign (1). 3 of the submissions do not count toward it. Last evaluated 2026-01-27.

Conditions:
CRB2-related disorder. Also called: CRB2-related condition; CRB2-related disorders.

Allele frequency attached by ClinVar (database versions not stated): 1000 Genomes Project 0.00879; 1000 Genomes Project 30x 0.00890; ESP Exome Variant Server 0.01398; gnomAD 0.01838 and 0.01851; TOPMed 0.01908; gnomAD exomes 0.02115 and 0.02748; ExAC 0.02601.
gnomAD v4.1: 40,141 of 1,511,822 alleles (2.7%); highest among the groups gnomAD compares: Non-Finnish European, 3.1%; 657 homozygotes.

Submissions (8):

Labcorp Genetics (formerly Invitae), Labcorp
Classification: Benign. Last evaluated: 2026-01-27. Review status: criteria provided, single submitter. Criteria: Invitae Variant Classification Sherloc (09022015). Collection method: clinical testing. Allele origin: germline.

CeGaT Center for Human Genetics Tuebingen
Classification: Benign. Last evaluated: 2025-03-01. Review status: criteria provided, single submitter. Criteria: CeGaT Center For Human Genetics Tuebingen Variant Classification Criteria Version 2. Collection method: clinical testing. Allele origin: germline. Affected: yes. Observed: 11 variant alleles.
Comment: CRB2: BS1, BS2

Blueprint Genetics
Classification: Likely benign. Last evaluated: 2024-11-27. Review status: criteria provided, single submitter. Criteria: ACMG Guidelines, 2015. Collection method: clinical testing. Allele origin: germline.

GeneDx
Classification: Benign. Last evaluated: 2020-09-02. Review status: criteria provided, single submitter. Criteria: GeneDx Variant Classification Process June 2021. Collection method: clinical testing. Allele origin: germline. Affected: yes.
Comment: This variant is associated with the following publications: (PMID: 26795916)

Breakthrough Genomics
Classification: Benign. Review status: criteria provided, single submitter. Criteria: ACMG Guidelines, 2015. Collection method: not provided. Allele origin: germline. Inheritance: Autosomal recessive inheritance. Affected: yes.

PreventionGenetics, part of Exact Sciences
Classification: Benign for CRB2-related condition. Last evaluated: 2021-01-11. Review status: no assertion criteria provided. Collection method: clinical testing. Allele origin: germline. Not counted in ClinVar's aggregate classification.
Comment: This variant is classified as benign based on ACMG/AMP sequence variant interpretation guidelines (Richards et al. 2015 PMID: 25741868, with internal and published modifications).

Genome Diagnostics Laboratory, University Medical Center Utrecht
Classification: Benign. Review status: no assertion criteria provided. Collection method: clinical testing. Allele origin: germline. Affected: yes. Study: VKGL Data-share Consensus. Not counted in ClinVar's aggregate classification.

Laboratory of Diagnostic Genome Analysis, Leiden University Medical Center (LUMC)
Classification: Likely benign. Review status: no assertion criteria provided. Collection method: clinical testing. Allele origin: germline. Affected: yes. Study: VKGL Data-share Consensus. Not counted in ClinVar's aggregate classification.